The following is an entry in ClinVar:

NM_000256.3(MYBPC3):c.518C>A (p.Thr173Asn)

Gene: MYBPC3 (myosin binding protein C3; minus strand). Cytogenetic location: 11p11.2.
Variant type: single nucleotide variant.
Coding change: c.518C>A on transcript NM_000256.3 (MANE Select); coding-DNA position 518, C replaced by A.
Protein change: p.Thr173Asn; replaces threonine 173 with asparagine.
Molecular consequence: missense variant.
Genome position (GRCh38, 1-based): chr11:47,349,910, G>T on the plus strand (C>A on the coding strand, the complement: MYBPC3 is on the minus strand). VCF-style: chr11-47349910-G-T. GRCh37 (hg19) VCF-style: chr11-47371461-G-T.
Other names: short protein forms T173N.
Identifiers: ClinVar variation 42766 (VCV000042766.7), dbSNP rs113941605, ClinGen allele CA015376.

ClinVar aggregate classification (germline): Uncertain significance. Review status: criteria provided, multiple submitters, no conflicts (2 of 4 stars). 2 submissions from 2 submitters: Uncertain significance (2). Last evaluated 2023-03-16.

Conditions:
Hypertrophic cardiomyopathy. Also called: HYPERTROPHIC MYOCARDIOPATHY. Identifiers: Orphanet 217569, MedGen C0007194, MeSH D002312, MONDO:0005045, HP:0001639.

gnomAD v4.1: 1 of 1,600,780 alleles (0.000062%); highest among the groups gnomAD compares: Non-Finnish European, 0.000085%; no homozygotes.

Submissions (2):

Labcorp Genetics (formerly Invitae), Labcorp
Classification: Uncertain significance for Hypertrophic cardiomyopathy. Last evaluated: 2023-03-16. Review status: criteria provided, single submitter. Criteria: Invitae Variant Classification Sherloc (09022015). Collection method: clinical testing. Allele origin: germline.
Comment: In summary, the available evidence is currently insufficient to determine the role of this variant in disease. Therefore, it has been classified as a Variant of Uncertain Significance. An algorithm developed to predict the effect of missense changes on protein structure and function (PolyPhen-2) suggests that this variant is likely to be tolerated. ClinVar contains an entry for this variant (Variation ID: 42766). This missense change has been observed in individual(s) with clinical features of MYBPC3-related conditions (PMID: 27532257, 33782553). This variant is not present in population databases (gnomAD no frequency). This sequence change replaces threonine, which is neutral and polar, with asparagine, which is neutral and polar, at codon 173 of the MYBPC3 protein (p.Thr173Asn).

Laboratory for Molecular Medicine, Mass General Brigham Personalized Medicine
Classification: Uncertain significance. Last evaluated: 2016-09-26. Review status: criteria provided, single submitter. Criteria: LMM Criteria. Collection method: clinical testing. Allele origin: germline. Observed: 2 variant alleles.
Comment: proposed classification - variant undergoing re-assessment, contact laboratory

Literature cited by the submitters: PubMed 27532257 (cited by Labcorp Genetics (formerly Invitae), Labcorp); PubMed 33782553 (cited by Labcorp Genetics (formerly Invitae), Labcorp).